The following is an entry in ClinVar:

ClinVar aggregate classification (germline): Uncertain significance (1 of 4 stars; one submission).

Conditions:
Hereditary spastic paraplegia 4. Also called: Familial spastic paraplegia autosomal dominant 2; Spastic paraplegia 4, autosomal dominant; Spastic Paraplegia 4. Identifiers: Orphanet 100985, MedGen C1866855, MONDO:0008438, OMIM 182601.

gnomAD v4.1: 2 of 1,585,518 alleles (0.00013%); highest among the groups gnomAD compares: Middle Eastern, 0.022%; no homozygotes.

Submission:

Labcorp Genetics (formerly Invitae), Labcorp
Classification: Uncertain significance for Hereditary spastic paraplegia 4. Last evaluated: 2025-09-24. Review status: criteria provided, single submitter. Criteria: Invitae Variant Classification Sherloc (09022015). Collection method: clinical testing. Allele origin: germline.
Comment: This sequence change replaces glycine, which is neutral and non-polar, with serine, which is neutral and polar, at codon 15 of the SPAST protein (p.Gly15Ser). This variant is not present in population databases (gnomAD no frequency). This variant has not been reported in the literature in individuals affected with SPAST-related conditions. Invitae Evidence Modeling of protein sequence and biophysical properties (such as structural, functional, and spatial information, amino acid conservation, physicochemical variation, residue mobility, and thermodynamic stability) has been performed for this missense variant. However, the output from this modeling did not meet the statistical confidence thresholds required to predict the impact of this variant on SPAST protein function. In summary, the available evidence is currently insufficient to determine the role of this variant in disease. Therefore, it has been classified as a Variant of Uncertain Significance.

NM_014946.4(SPAST):c.43G>A (p.Gly15Ser)

Gene: SPAST (spastin; plus strand). Cytogenetic location: 2p22.3.
Variant type: single nucleotide variant.
Coding change: c.43G>A on transcript NM_014946.4 (MANE Select); coding-DNA position 43, G replaced by A.
Protein change: p.Gly15Ser; replaces glycine 15 with serine.
Molecular consequence: missense variant.
Genome position (GRCh38, 1-based): chr2:32,063,874, G>A. VCF-style: chr2-32063874-G-A. GRCh37 (hg19) VCF-style: chr2-32288943-G-A.
Other names: c.43G>A, p.Gly15Ser (NM_001363823.2, NM_001363875.2, NM_001377959.1 and 1 more transcripts); short protein forms G15S.
Identifiers: ClinVar variation 4710532 (VCV004710532.1).